The following is an entry in ClinVar:

NM_001201325.2(PDZK1):c.62G>A (p.Gly21Asp)

Gene: PDZK1 (PDZ domain containing 1; minus strand). Cytogenetic location: 1q21.1.
Variant type: single nucleotide variant.
Coding change: c.62G>A on transcript NM_001201325.2 (MANE Select); coding-DNA position 62, G replaced by A.
Protein change: p.Gly21Asp; replaces glycine 21 with aspartic acid.
Molecular consequence: missense variant. On other transcripts: 5 prime UTR variant (1).
Genome position (GRCh38, 1-based): chr1:145,687,960, C>T on the plus strand (G>A on the coding strand, the complement: PDZK1 is on the minus strand). VCF-style: chr1-145687960-C-T. GRCh37 (hg19) VCF-style: chr1-145747105-G-A.
Other names: c.62G>A, p.Gly21Asp (NM_001201326.1, NM_001371359.1, NM_002614.4); c.-423G>A (NM_001371361.1); short protein forms G21D.
Identifiers: ClinVar variation 64506 (VCV000064506.2), dbSNP rs387907448, ClinGen allele CA216301.
Genomic context (GRCh38, chr1:145,687,960, plus strand): 5'-CACTTCTCAACCACCCGGACCAGGTGGCCCTCGGTGTCCTTCTCAATTCGCAGGAAGAAG[C>T]CATAGTTTTGCCCTTCTTGCTTGGACAGTTTACATTCTCGGGGGTTGAAGGTGGAGGTCA-3'
Protein context (NP_001188254.1, residues 11-31): KLSKQEGQNY[Gly21Asp]FFLRIEKDTE

ClinVar aggregate classification (germline): Uncertain significance (0 of 4 stars; one submission).

Submission:

Martin Pollak Laboratory,  Beth Israel Deaconess Medical Center
Classification: Uncertain significance. Review status: no assertion criteria provided. Collection method: not provided. Allele origin: unknown.
Comment: Lower UCa2+ group
ClinVar note: Converted during submission from unknown to Uncertain significance.